The following is an entry in ClinVar:

NM_001009944.3(PKD1):c.5668C>A (p.Leu1890Met)

Gene: PKD1 (polycystin 1, transient receptor potential channel interacting; minus strand). Cytogenetic location: 16p13.3.
Variant type: single nucleotide variant.
Coding change: c.5668C>A on transcript NM_001009944.3 (MANE Select); coding-DNA position 5668, C replaced by A.
Protein change: p.Leu1890Met; replaces leucine 1890 with methionine.
Molecular consequence: missense variant.
Genome position (GRCh38, 1-based): chr16:2,109,499, G>T on the plus strand (C>A on the coding strand, the complement: PKD1 is on the minus strand). VCF-style: chr16-2109499-G-T. GRCh37 (hg19) VCF-style: chr16-2159500-G-T.
Other names: c.5668C>A, p.Leu1890Met (NM_000296.4); short protein forms L1890M.
Identifiers: ClinVar variation 2574765 (VCV002574765.1), dbSNP rs2544810647, ClinGen allele CA394375964.
Genomic context (GRCh38, chr16:2,109,499, plus strand): 5'-GGATCTGAAAATGGACCAGCTGCCCGGGCGCCACCACCTTGCTGCTGGCCCACAGCACCA[G>T]GCCCACGATGGGCTCCTCCGCCGTGAGGTTGTACGTGGCTGAGACCCAGCTGACTGCGTT-3'
Protein context (NP_001009944.3, residues 1880-1900): NLTAEEPIVG[Leu1890Met]VLWASSKVVA

ClinVar aggregate classification (germline): Uncertain significance (1 of 4 stars; one submission).

Submission:

GeneDx
Classification: Uncertain significance. Last evaluated: 2023-02-07. Review status: criteria provided, single submitter. Criteria: GeneDx Variant Classification Process June 2021. Collection method: clinical testing. Allele origin: germline. Affected: yes.
Comment: Not observed at significant frequency in large population cohorts (gnomAD); In silico analysis supports that this missense variant does not alter protein structure/function; Has not been previously published as pathogenic or benign to our knowledge